The following is an entry in ClinVar:

ClinVar aggregate classification (germline): Uncertain significance. Review status: criteria provided, multiple submitters, no conflicts (2 of 4 stars). 4 submissions from 4 submitters: Uncertain significance (4). Last evaluated 2025-04-01.

Conditions:
Hereditary spastic paraplegia. Also called: Familial spastic paraparesis. Identifiers: Orphanet 685, MedGen C0037773, MONDO:0019064. Disease mechanism: loss of function.
Inborn genetic diseases. Identifiers: MedGen C0950123, MeSH D030342.

Allele frequency attached by ClinVar (database versions not stated): TOPMed 0.00002.
gnomAD v4.1: 215 of 1,613,958 alleles (0.013%); highest among the groups gnomAD compares: Non-Finnish European, 0.017%; no homozygotes.

Submissions (4):

Ambry Genetics
Classification: Uncertain significance for Inborn genetic diseases. Last evaluated: 2025-04-01. Review status: criteria provided, single submitter. Criteria: Ambry Variant Classification Scheme 2023. Collection method: clinical testing. Allele origin: germline.

Labcorp Genetics (formerly Invitae), Labcorp
Classification: Uncertain significance. Last evaluated: 2022-08-16. Review status: criteria provided, single submitter. Criteria: Invitae Variant Classification Sherloc (09022015). Collection method: clinical testing. Allele origin: germline.
Comment: This sequence change replaces arginine, which is basic and polar, with cysteine, which is neutral and slightly polar, at codon 89 of the SPART protein (p.Arg89Cys). This variant is present in population databases (rs369491741, gnomAD 0.01%). This variant has not been reported in the literature in individuals affected with SPART-related conditions. ClinVar contains an entry for this variant (Variation ID: 1000893). Algorithms developed to predict the effect of missense changes on protein structure and function are either unavailable or do not agree on the potential impact of this missense change (SIFT: "Deleterious"; PolyPhen-2: "Probably Damaging"; Align-GVGD: "Class C15"). In summary, the available evidence is currently insufficient to determine the role of this variant in disease. Therefore, it has been classified as a Variant of Uncertain Significance.

Genome Diagnostics Laboratory, The Hospital for Sick Children
Classification: Uncertain significance for Hereditary spastic paraplegia. Last evaluated: 2021-10-21. Review status: criteria provided, single submitter. Criteria: ACMG Guidelines, 2015. Collection method: clinical testing. Allele origin: germline. Affected: yes.

Mayo Clinic Laboratories, Mayo Clinic
Classification: Uncertain significance. Last evaluated: 2019-01-07. Review status: criteria provided, single submitter. Criteria: ACMG Guidelines, 2015. Collection method: clinical testing. Allele origin: germline. Observed: 2 variant alleles.

NM_015087.5(SPART):c.265C>T (p.Arg89Cys)

Gene: SPART (spartin; minus strand). Cytogenetic location: 13q13.3.
Variant type: single nucleotide variant.
Coding change: c.265C>T on transcript NM_015087.5 (MANE Select); coding-DNA position 265, C replaced by T.
Protein change: p.Arg89Cys; replaces arginine 89 with cysteine.
Molecular consequence: missense variant.
Genome position (GRCh38, 1-based): chr13:36,335,566, G>A on the plus strand (C>T on the coding strand, the complement: SPART is on the minus strand). VCF-style: chr13-36335566-G-A. GRCh37 (hg19) VCF-style: chr13-36909703-G-A.
Other names: p.Arg89Cys; c.265C>T, p.Arg89Cys (NM_001142294.2, NM_001142295.2, NM_001142296.2); short protein forms R89C.
Identifiers: ClinVar variation 1000893 (VCV001000893.10), dbSNP rs369491741, ClinGen allele CA6949666.